The following is an entry in ClinVar:

ClinVar aggregate classification (germline): Uncertain significance (1 of 4 stars; one submission).

Conditions:
Walker-Warburg congenital muscular dystrophy. Also called: Muscular dystrophy-dystroglycanopathy, type A; Walker-Warburg syndrome. Identifiers: Orphanet 899, MedGen C0265221, MONDO:0000171.
Muscular dystrophy-dystroglycanopathy (congenital with impaired intellectual development), type B, 1. Also called: MUSCULAR DYSTROPHY, CONGENITAL, POMT1-RELATED; Muscular dystrophy-dystroglycanopathy (congenital with intellectual disability), type B1. Identifiers: MedGen C5436962, MONDO:0013159, OMIM 613155.
Autosomal recessive limb-girdle muscular dystrophy type 2K. Also called: MUSCULAR DYSTROPHY-DYSTROGLYCANOPATHY (LIMB-GIRDLE), TYPE C, 1; MUSCULAR DYSTROPHY, LIMB-GIRDLE, TYPE 2K. Identifiers: Orphanet 86812, MedGen C1836373, MONDO:0012248, OMIM 609308.

Allele frequency attached by ClinVar (database versions not stated): gnomAD exomes below 0.00001.
gnomAD v4.1: 1 of 1,614,116 alleles (0.000062%); highest among the groups gnomAD compares: Admixed American, 0.0017%; no homozygotes.

Submission:

Labcorp Genetics (formerly Invitae), Labcorp
Classification: Uncertain significance for Muscular dystrophy-dystroglycanopathy (congenital with impaired intellectual development), type B, 1; Walker-Warburg congenital muscular dystrophy; Autosomal recessive limb-girdle muscular dystrophy type 2K. Last evaluated: 2022-04-28. Review status: criteria provided, single submitter. Criteria: Invitae Variant Classification Sherloc (09022015). Collection method: clinical testing. Allele origin: germline.
Comment: This variant is present in population databases (no rsID available, gnomAD 0.003%). This variant has not been reported in the literature in individuals affected with POMT1-related conditions. Variants that disrupt the consensus splice site are a relatively common cause of aberrant splicing (PMID: 17576681, 9536098). Algorithms developed to predict the effect of sequence changes on RNA splicing suggest that this variant is not likely to affect RNA splicing. In summary, the available evidence is currently insufficient to determine the role of this variant in disease. Therefore, it has been classified as a Variant of Uncertain Significance. This sequence change falls in intron 6 of the POMT1 gene. It does not directly change the encoded amino acid sequence of the POMT1 protein. It affects a nucleotide within the consensus splice site.

Literature cited by the submitters: PubMed 17576681; PubMed 9536098.

NM_001077365.2(POMT1):c.540-3C>T

Gene: POMT1 (protein O-mannosyltransferase 1; plus strand). Cytogenetic location: 9q34.13.
Variant type: single nucleotide variant.
Coding change: c.540-3C>T on transcript NM_001077365.2 (MANE Select); 3 bases into the intron before coding-DNA position 540, C replaced by T.
Molecular consequence: intron variant.
Genome position (GRCh38, 1-based): chr9:131,509,740, C>T. VCF-style: chr9-131509740-C-T. GRCh37 (hg19) VCF-style: chr9-134385127-C-T.
Other names: c.378-3C>T (NM_001353198.2, NM_001353194.2, NM_001374689.1 and 3 more transcripts); c.540-3C>T (NM_001353193.2, NM_001136113.2, NM_007171.4 and 1 more transcripts); c.189-3C>T (NM_001374691.1, NM_001353195.2, NM_001374692.1 and 2 more transcripts); c.450-3C>T (NM_001353196.2); c.84-3C>T (NM_001374695.1, NM_001353200.2).
Identifiers: ClinVar variation 1936430 (VCV001936430.5), dbSNP rs1369759280, ClinGen allele CA590752484.
Genomic context (GRCh38, chr9:131,509,740, plus strand): 5'-CACTAGCCTTTTGGAAATGTGTCTGAACTATTTCTGTCTCCATCTGCTTTGTTTTTATTC[C>T]AGCCCTTTTTCTCTGAGCTGGTGGTTCTGGCTAACACTGACAGGGGTCGCTTGTTCCTGT-3'